The following is an entry in ClinVar:

ClinVar aggregate classification (germline): Likely pathogenic (1 of 4 stars; one submission).

Conditions:
Snijders Blok-Campeau syndrome. Also called: INTELLECTUAL DEVELOPMENTAL DISORDER WITH MACROCEPHALY, SPEECH DELAY, AND DYSMORPHIC FACIES. Identifiers: Orphanet 599082, MedGen C4748701, MONDO:0032600, OMIM 618205.

Submission:

Greenwood Genetic Center Diagnostic Laboratories, Greenwood Genetic Center
Classification: Likely pathogenic for Snijders Blok-Campeau syndrome. Last evaluated: 2025-06-18. Review status: criteria provided, single submitter. Criteria: ACMG Guidelines, 2015. Collection method: clinical testing. Allele origin: germline. Affected: yes.
Comment: PVS1, PM2

NM_001005273.3(CHD3):c.4141_4148del (p.Arg1381fs)

Gene: CHD3 (chromodomain helicase DNA binding protein 3; plus strand). Cytogenetic location: 17p13.1.
Variant type: Deletion.
Coding change: c.4141_4148del on transcript NM_001005273.3 (MANE Select); coding-DNA positions 4141 to 4148, 8 bases deleted (CGTAGACA; older notation c.4141_4148delCGTAGACA).
Protein change: p.Arg1381fs; shifts the reading frame from arginine 1381.
Molecular consequence: frameshift variant.
Genome position (GRCh38, 1-based): chr17:7,905,623-7,905,630, CGTAGACA deleted. VCF-style (leftmost placement, unchanged base first): chr17-7905622-GCGTAGACA-G. GRCh37 (hg19) VCF-style: chr17-7808940-GCGTAGACA-G.
Other names: c.4318_4325del, p.Arg1440fs (NM_001005271.3, NM_001437504.1); c.4306_4313del, p.Arg1436fs (NM_001437507.1, NM_001437508.1, NM_001437509.1); c.4141_4148del, p.Arg1381fs (NM_005852.4); short protein forms R1381fs, R1436fs, R1440fs.
Identifiers: ClinVar variation 4538321 (VCV004538321.1).